The following is an entry in ClinVar:

NM_003072.5(SMARCA4):c.4690A>C (p.Ile1564Leu)

Gene: SMARCA4 (SWI/SNF related BAF chromatin remodeling complex subunit ATPase 4; plus strand). Cytogenetic location: 19p13.2.
Variant type: single nucleotide variant.
Coding change: c.4690A>C on transcript NM_003072.5 (MANE Select); coding-DNA position 4690, A replaced by C.
Protein change: p.Ile1564Leu; replaces isoleucine 1564 with leucine.
Molecular consequence: missense variant. On other transcripts: non-coding transcript variant (1).
Genome position (GRCh38, 1-based): chr19:11,059,807, A>C. VCF-style: chr19-11059807-A-C. GRCh37 (hg19) VCF-style: chr19-11170483-A-C.
Other names: c.4690A>C, p.Ile1564Leu (NM_001128844.3); c.4600A>C, p.Ile1534Leu (NM_001128845.2); c.4597A>C, p.Ile1533Leu (NM_001128846.2); c.4591A>C, p.Ile1531Leu (NM_001128847.4, NM_001374457.1); c.4588A>C, p.Ile1530Leu (NM_001128848.2); c.4786A>C, p.Ile1596Leu (NM_001128849.3, NM_001387283.1); c.4687A>C, p.Ile1563Leu (NM_001411150.1); short protein forms I1533L, I1563L, I1530L, I1534L, I1531L, I1564L, I1596L.
Identifiers: ClinVar variation 3445977 (VCV003445977.2).
Genomic context (GRCh38, chr19:11,059,807, plus strand): 5'-GCCCAGATCTATGAAGACTCCATCGTCTTGCAGTCGGTCTTCACCAGCGTGCGGCAGAAA[A>C]TCGAGAAGGAGGATGACAGTGAAGGCGAGGAGAGTGAGGAGGAGGAAGAGGGCGAGGAGG-3'
Protein context (NP_003063.2, residues 1554-1574): QSVFTSVRQK[Ile1564Leu]EKEDDSEGEE

ClinVar aggregate classification (germline): Conflicting classifications of pathogenicity. Review status: criteria provided, conflicting classifications (1 of 4 stars). 2 submissions from 2 submitters: Uncertain significance (1); Likely benign (1). Last evaluated 2026-01-18.

Conditions:
Hereditary cancer-predisposing syndrome. Also called: Tumor predisposition; Neoplastic Syndromes, Hereditary; Hereditary neoplastic syndrome; Hereditary Cancer Syndrome. Identifiers: Orphanet 140162, MedGen C0027672, MeSH D009386, MONDO:0015356.
Rhabdoid tumor predisposition syndrome 2 (RTPS2). Identifiers: Orphanet 231108, Orphanet 69077, MedGen C2750074, MONDO:0013224, OMIM 613325.

Submissions (2):

Labcorp Genetics (formerly Invitae), Labcorp
Classification: Uncertain significance for Rhabdoid tumor predisposition syndrome 2. Last evaluated: 2026-01-18. Review status: criteria provided, single submitter. Criteria: Invitae Variant Classification Sherloc (09022015). Collection method: clinical testing. Allele origin: germline.
Comment: This sequence change replaces isoleucine, which is neutral and non-polar, with leucine, which is neutral and non-polar, at codon 1596 of the SMARCA4 protein (p.Ile1596Leu). This variant is not present in population databases (gnomAD no frequency). This variant has not been reported in the literature in individuals affected with SMARCA4-related conditions. ClinVar contains an entry for this variant (Variation ID: 3445977). Invitae Evidence Modeling of protein sequence and biophysical properties (such as structural, functional, and spatial information, amino acid conservation, physicochemical variation, residue mobility, and thermodynamic stability) indicates that this missense variant is not expected to disrupt SMARCA4 protein function with a negative predictive value of 95%. In summary, the available evidence is currently insufficient to determine the role of this variant in disease. Therefore, it has been classified as a Variant of Uncertain Significance.

Ambry Genetics
Classification: Likely benign for Hereditary cancer-predisposing syndrome. Last evaluated: 2024-08-08. Review status: criteria provided, single submitter. Criteria: Ambry Variant Classification Scheme 2023. Collection method: clinical testing. Allele origin: germline.